The following is an entry in ClinVar:

ClinVar aggregate classification (germline): Pathogenic (1 of 4 stars; one submission).

Conditions:
Neurofibromatosis, type 1 (NF1). Also called: VON RECKLINGHAUSEN DISEASE; NEUROFIBROMATOSIS, TYPE I, SOMATIC; Peripheral type neurofibromatosis; Neurofibromatosis, type I. Identifiers: Orphanet 636, MedGen C0027831, MONDO:0018975, OMIM 162200. Disease mechanism: loss of function.

Submission:

Labcorp Genetics (formerly Invitae), Labcorp
Classification: Pathogenic for Neurofibromatosis, type 1. Last evaluated: 2018-08-20. Review status: criteria provided, single submitter. Criteria: Invitae Variant Classification Sherloc (09022015). Collection method: clinical testing. Allele origin: germline.
Comment: This sequence change creates a premature translational stop signal (p.Glu1559Lysfs*8) in the NF1 gene. It is expected to result in an absent or disrupted protein product. This variant is not present in population databases (ExAC no frequency). This variant has not been reported in the literature in individuals with NF1-related disease. Loss-of-function variants in NF1 are known to be pathogenic (PMID: 10712197, 23913538). For these reasons, this variant has been classified as Pathogenic.

NM_001042492.3(NF1):c.4738_4745delinsAAAAAGG (p.Glu1580fs)

Gene: NF1 (neurofibromin 1; plus strand). Cytogenetic location: 17q11.2.
Variant type: Indel.
Coding change: c.4738_4745delinsAAAAAGG on transcript NM_001042492.3 (MANE Select); coding-DNA positions 4738 to 4745, GAAAAAGA replaced by AAAAAGG.
Protein change: p.Glu1580fs; shifts the reading frame from glutamic acid 1580.
Molecular consequence: frameshift variant.
Genome position (GRCh38, 1-based): chr17:31,265,242-31,265,249, GAAAAAGA replaced by AAAAAGG. VCF-style: chr17-31265242-GAAAAAGA-AAAAAGG. GRCh37 (hg19) VCF-style: chr17-29592260-GAAAAAGA-AAAAAGG.
Other names: c.4675_4682delGAAAAAGAinsAAAAAGG, p.Glu1559Lysfs (NM_000267.4); short protein forms E1580fs, E1559fs.
Identifiers: ClinVar variation 653392 (VCV000653392.1), dbSNP rs1597753176, ClinGen allele CA915949669.
Genomic context (GRCh38, chr17:31,265,242, plus strand): 5'-AGTAGACAACATAAAGCCTCATAATTACTCTGTTATTTTTCTTTTAGGCATCAGGTACAT[GAAAAAGA>AAAAAGG]AGAATTCAAGGCTTTGAAAACGTTAAGTATTTTCTACCAAGCTGGGACTTCCAAAGCTGG-3'